The following is an entry in ClinVar:

NM_022915.5(MRPL44):c.610C>T (p.Gln204Ter)

Gene: MRPL44 (mitochondrial ribosomal protein L44; plus strand). Cytogenetic location: 2q36.1.
Variant type: single nucleotide variant.
Coding change: c.610C>T on transcript NM_022915.5 (MANE Select); coding-DNA position 610, C replaced by T.
Protein change: p.Gln204Ter; replaces glutamine 204 with a stop codon.
Molecular consequence: nonsense.
Genome position (GRCh38, 1-based): chr2:223,959,964, C>T. VCF-style: chr2-223959964-C-T. GRCh37 (hg19) VCF-style: chr2-224824681-C-T.
Other names: short protein forms Q204*.
Identifiers: ClinVar variation 3233987 (VCV003233987.2), dbSNP rs1438012386, ClinGen allele CA350807390.

ClinVar aggregate classification (germline): Uncertain significance (1 of 4 stars; one submission).

Allele frequency attached by ClinVar (database versions not stated): TOPMed 0.00002.
gnomAD v4.1: 4 of 1,614,002 alleles (0.00025%); highest among the groups gnomAD compares: Admixed American, 0.0033%; no homozygotes.

Submission:

Women's Health and Genetics/Laboratory Corporation of America, LabCorp
Classification: Uncertain significance. Last evaluated: 2024-03-13. Review status: criteria provided, single submitter. Criteria: LabCorp Variant Classification Summary - May 2015. Collection method: clinical testing. Allele origin: germline.
Comment: Variant summary: MRPL44 c.610C>T (p.Gln204X) results in a premature termination codon, predicted to cause a truncation of the encoded protein or absence of the protein due to nonsense mediated decay, however current evidence is not sufficient to establish loss-of-function variants in MRPL44 as causative of disease. The variant allele was found at a frequency of 4e-06 in 251196 control chromosomes (gnomAD). The available data on variant occurrences in the general population are insufficient to allow any conclusion about variant significance. To our knowledge, no occurrence of c.610C>T in individuals affected with Combined Oxidative Phosphorylation Deficiency 16 and no experimental evidence demonstrating its impact on protein function have been reported. No submitters have cited clinical-significance assessments for this variant to ClinVar. Based on the evidence outlined above, the variant was classified as uncertain significance.